The following is an entry in ClinVar:

NM_002474.3(MYH11):c.4312A>G (p.Asn1438Asp)

Genes: MYH11 (myosin heavy chain 11; minus strand), NDE1 (nudE neurodevelopment protein 1; plus strand). Cytogenetic location: 16p13.11.
Variant type: single nucleotide variant.
Coding change: c.4312A>G on transcript NM_002474.3 (MANE Select); coding-DNA position 4312, A replaced by G.
Protein change: p.Asn1438Asp; replaces asparagine 1438 with aspartic acid.
Molecular consequence: missense variant.
Genome position (GRCh38, 1-based): chr16:15,724,214, T>C on the plus strand (A>G on the coding strand, the complement: MYH11 is on the minus strand). VCF-style: chr16-15724214-T-C. GRCh37 (hg19) VCF-style: chr16-15818071-T-C.
Other names: c.4333A>G, p.Asn1445Asp (NM_001040113.2, NM_001040114.2); c.4312A>G, p.Asn1438Asp (NM_022844.3); c.971T>C, p.Leu324Ser (NM_001143979.2, NM_017668.3); c.971T>C (NM_001143979.1); short protein forms L324S, N1438D, N1445D.
Identifiers: ClinVar variation 2630274 (VCV002630274.2), dbSNP rs767885449, ClinGen allele CA394857007.

ClinVar aggregate classification (germline): Uncertain significance. Review status: criteria provided, multiple submitters, no conflicts (2 of 4 stars). 2 submissions from 2 submitters: Uncertain significance (2). Last evaluated 2025-04-16.

Conditions:
MYH11-related disorder. Also called: MYH11-related condition.

Allele frequency attached by ClinVar (database versions not stated): gnomAD 0.00001.
gnomAD v4.1: 1 of 1,614,038 alleles (0.000062%); highest among the groups gnomAD compares: African/African-American, 0.0013%; no homozygotes.

Submissions (2):

GeneDx
Classification: Uncertain significance. Last evaluated: 2025-04-16. Review status: criteria provided, single submitter. Criteria: GeneDx Variant Classification Process June 2021. Collection method: clinical testing. Allele origin: germline. Affected: yes.
Comment: Not observed at significant frequency in large population cohorts (gnomAD); In silico analysis indicates that this missense variant does not alter protein structure/function; Has not been previously published as pathogenic or benign to our knowledge; This variant is associated with the following publications: (PMID: 21529752)

PreventionGenetics, part of Exact Sciences
Classification: Uncertain significance for MYH11-related condition. Last evaluated: 2023-03-29. Review status: criteria provided, single submitter. Criteria: ACMG Guidelines, 2015. Collection method: clinical testing. Allele origin: germline.
Comment: The MYH11 c.4333A>G variant is predicted to result in the amino acid substitution p.Asn1445Asp. To our knowledge, this variant has not been reported in the literature or in a large population database, indicating this variant is rare. At this time, the clinical significance of this variant is uncertain due to the absence of conclusive functional and genetic evidence.